The following is an entry in ClinVar:

NM_001290060.2(SEMA3B):c.1087C>A (p.His363Asn)

Gene: SEMA3B (semaphorin 3B; plus strand). Cytogenetic location: 3p21.31.
Variant type: single nucleotide variant.
Coding change: c.1087C>A on transcript NM_001290060.2 (MANE Select); coding-DNA position 1087, C replaced by A.
Protein change: p.His363Asn; replaces histidine 363 with asparagine.
Molecular consequence: missense variant.
Genome position (GRCh38, 1-based): chr3:50,274,007, C>A. VCF-style: chr3-50274007-C-A. GRCh37 (hg19) VCF-style: chr3-50311438-C-A.
Other names: c.1084C>A, p.His362Asn (NM_001005914.3); c.1102C>A, p.His368Asn (NM_001290061.1); c.58C>A, p.His20Asn (NM_001290062.2, NM_001290063.2); c.1087C>A, p.His363Asn (NM_004636.4); short protein forms H20N, H362N, H363N, H368N.
Identifiers: ClinVar variation 3053930 (VCV003053930.2), dbSNP rs782238556, ClinGen allele CA2413948.
Genomic context (GRCh38, chr3:50,274,007, plus strand): 5'-AGCATGAACGACGTGCGCCGGGCCTTCTTGGGACCCTTTGCACACAAGGAGGGGCCCATG[C>A]ACCAGTGGGTGTCATACCAGGGTCGCGTCCCCTACCCGCGGCCAGGCATGGTTCGTAGCC-3'
Protein context (NP_001276989.1, residues 353-373): GPFAHKEGPM[His363Asn]QWVSYQGRVP

ClinVar aggregate classification (germline): Uncertain significance (0 of 4 stars; one submission).

Conditions:
SEMA3B-related disorder. Also called: SEMA3B-related condition.

Allele frequency attached by ClinVar (database versions not stated): ExAC 0.00003; gnomAD 0.00007; TOPMed 0.00006; gnomAD exomes 0.00008.

Submission:

PreventionGenetics, part of Exact Sciences
Classification: Uncertain significance for SEMA3B-related condition. Last evaluated: 2024-03-15. Review status: no assertion criteria provided. Collection method: clinical testing. Allele origin: germline.
Comment: The SEMA3B c.1102C>A variant is predicted to result in the amino acid substitution p.His368Asn. To our knowledge, this variant has not been reported in the literature. This variant is reported in 0.0086% of alleles in individuals of European (non-Finnish) descent in gnomAD. At this time, the clinical significance of this variant is uncertain due to the absence of conclusive functional and genetic evidence.